The following is an entry in ClinVar:

ClinVar aggregate classification (germline): Conflicting classifications of pathogenicity. Review status: criteria provided, conflicting classifications (1 of 4 stars). 9 submissions from 9 submitters: Uncertain significance (1); Likely benign (7). 1 of the submissions does not count toward it. Last evaluated 2026-05-13.

Conditions:
NF1-related disorder. Also called: NF1-related condition. Identifiers: MedGen CN379171.
Hereditary cancer-predisposing syndrome. Also called: Neoplastic Syndromes, Hereditary; Tumor predisposition; Hereditary Cancer Syndrome; Hereditary neoplastic syndrome. Identifiers: Orphanet 140162, MedGen C0027672, MeSH D009386, MONDO:0015356.
Neurofibromatosis, type 1 (NF1). Also called: VON RECKLINGHAUSEN DISEASE; NEUROFIBROMATOSIS, TYPE I, SOMATIC; Peripheral type neurofibromatosis; Neurofibromatosis, type I. Identifiers: Orphanet 636, MedGen C0027831, MONDO:0018975, OMIM 162200. Disease mechanism: loss of function.

Allele frequency attached by ClinVar (database versions not stated): ExAC 0.00002; gnomAD exomes 0.00002 and 0.00004; gnomAD 0.00003; TOPMed 0.00006.
gnomAD v4.1: 71 of 1,613,524 alleles (0.0044%); highest among the groups gnomAD compares: Non-Finnish European, 0.0054%; no homozygotes.

Submissions (9):

Myriad Genetics, Inc.
Classification: Likely benign for Neurofibromatosis, type 1. Last evaluated: 2026-05-13. Review status: criteria provided, single submitter. Criteria: Myriad Autosomal Dominant, Autosomal Recessive and X-Linked Classification Criteria (2023). Collection method: clinical testing. Allele origin: unknown.
Comment: This variant is considered likely benign. This variant is intronic and is not expected to impact mRNA splicing.

Women's Health and Genetics/Laboratory Corporation of America, LabCorp
Classification: Likely benign. Last evaluated: 2026-03-09. Review status: criteria provided, single submitter. Criteria: LabCorp Variant Classification Summary - May 2015. Collection method: clinical testing. Allele origin: germline.
Comment: Variant summary: NF1 c.7395-7C>T alters a conserved nucleotide located at a position not widely known to affect splicing. Consensus agreement among computation tools predict no significant impact on normal splicing. However, these predictions have yet to be confirmed by functional studies. The variant allele was found at a frequency of 1.6e-05 in 251442 control chromosomes. The available data on variant occurrences in the general population are insufficient to allow any conclusion about variant significance. To our knowledge, no occurrence of c.7395-7C>T in individuals affected with NF1-related conditions and no experimental evidence demonstrating its impact on protein function have been reported. ClinVar contains an entry for this variant (Variation ID: 413035). Based on the evidence outlined above, the variant was classified as likely benign.

Labcorp Genetics (formerly Invitae), Labcorp
Classification: Likely benign for Neurofibromatosis, type 1. Last evaluated: 2026-01-20. Review status: criteria provided, single submitter. Criteria: Invitae Variant Classification Sherloc (09022015). Collection method: clinical testing. Allele origin: germline.

ARUP Laboratories, Molecular Genetics and Genomics, ARUP Laboratories
Classification: Likely benign. Last evaluated: 2024-10-09. Review status: criteria provided, single submitter. Criteria: ARUP Molecular Germline Variant Investigation Process 2024. Collection method: clinical testing. Allele origin: germline.

Department of Pathology and Laboratory Medicine, Sinai Health System
Classification: Likely benign for Neurofibromatosis, type 1. Last evaluated: 2022-08-16. Review status: criteria provided, single submitter. Criteria: ACMG Guidelines, 2015. Collection method: clinical testing. Allele origin: germline. Affected: yes.

Blueprint Genetics
Classification: Likely benign. Last evaluated: 2021-12-14. Review status: criteria provided, single submitter. Criteria: ACMG Guidelines, 2015. Collection method: clinical testing. Allele origin: germline.

Sema4
Classification: Uncertain significance for Hereditary cancer-predisposing syndrome. Last evaluated: 2021-06-09. Review status: criteria provided, single submitter. Criteria: Sema4 Curation Guidelines. Collection method: curation. Allele origin: germline.
Comment: The NF1 c.7395-7C>T variant has not been reported in the literature to our knowledge. It was observed in 1/34588 chromosomes of the Latino subpopulation in the large and broad cohorts of the Genome Aggregation Database. The variant has been reported in ClinVar (Variation ID 413035). In silico tools suggest that the variant does not affect splicing, though these predictions have not been confirmed by functional studies. The evidence is insufficient to meet ACMG/AMP criteria for classifying the variant as benign or pathogenic. Thus, the clinical significance of this variant is currently uncertain.

GeneDx
Classification: Likely benign. Last evaluated: 2021-03-29. Review status: criteria provided, single submitter. Criteria: GeneDx Variant Classification Process June 2021. Collection method: clinical testing. Allele origin: germline. Affected: yes.

PreventionGenetics, part of Exact Sciences
Classification: Likely benign for NF1-related condition. Last evaluated: 2019-08-01. Review status: no assertion criteria provided. Collection method: clinical testing. Allele origin: germline. Not counted in ClinVar's aggregate classification.
Comment: This variant is classified as likely benign based on ACMG/AMP sequence variant interpretation guidelines (Richards et al. 2015 PMID: 25741868, with internal and published modifications).

Literature cited by the submitters: PubMed 10678181 (cited by Women's Health and Genetics/Laboratory Corporation of America, LabCorp); PubMed 23460398 (cited by Women's Health and Genetics/Laboratory Corporation of America, LabCorp); PubMed 29872168 (cited by Women's Health and Genetics/Laboratory Corporation of America, LabCorp); PubMed 27069254 (cited by Women's Health and Genetics/Laboratory Corporation of America, LabCorp).

NM_001042492.3(NF1):c.7458-7C>T

Gene: NF1 (neurofibromin 1; plus strand). Cytogenetic location: 17q11.2.
Variant type: single nucleotide variant.
Coding change: c.7458-7C>T on transcript NM_001042492.3 (MANE Select); 7 bases into the intron before coding-DNA position 7458, C replaced by T.
Molecular consequence: intron variant.
Genome position (GRCh38, 1-based): chr17:31,352,250, C>T. VCF-style: chr17-31352250-C-T. GRCh37 (hg19) VCF-style: chr17-29679268-C-T.
Other names: c.7458-7C>T (NM_001042492.2); c.7395-7C>T (NM_000267.4).
Identifiers: ClinVar variation 413035 (VCV000413035.21), dbSNP rs758106590, ClinGen allele CA8487598.